The following is an entry in ClinVar:

NM_006361.6(HOXB13):c.562C>A (p.Gln188Lys)

Gene: HOXB13 (homeobox B13; minus strand). Cytogenetic location: 17q21.32.
Variant type: single nucleotide variant.
Coding change: c.562C>A on transcript NM_006361.6 (MANE Select); coding-DNA position 562, C replaced by A.
Protein change: p.Gln188Lys; replaces glutamine 188 with lysine.
Molecular consequence: missense variant.
Genome position (GRCh38, 1-based): chr17:48,728,032, G>T on the plus strand (C>A on the coding strand, the complement: HOXB13 is on the minus strand). VCF-style: chr17-48728032-G-T. GRCh37 (hg19) VCF-style: chr17-46805394-G-T.
Other names: short protein forms Q188K.
Identifiers: ClinVar variation 2610006 (VCV002610006.4), dbSNP rs1242831503, ClinGen allele CA400107180.

ClinVar aggregate classification (germline): Uncertain significance. Review status: criteria provided, multiple submitters, no conflicts (2 of 4 stars). 2 submissions from 2 submitters: Uncertain significance (2). Last evaluated 2026-08-13.

Conditions:
Hereditary cancer-predisposing syndrome. Also called: Hereditary neoplastic syndrome; Hereditary Cancer Syndrome; Neoplastic Syndromes, Hereditary; Tumor predisposition. Identifiers: Orphanet 140162, MedGen C0027672, MeSH D009386, MONDO:0015356.

Allele frequency attached by ClinVar (database versions not stated): TOPMed below 0.00001; gnomAD 0.00001.
gnomAD v4.1: 2 of 1,614,084 alleles (0.00012%); highest among the groups gnomAD compares: African/African-American, 0.0013%; no homozygotes.

Submissions (2):

Ambry Genetics
Classification: Uncertain significance for Hereditary cancer-predisposing syndrome. Last evaluated: 2026-08-13. Review status: criteria provided, single submitter. Criteria: Ambry Variant Classification Scheme 2023. Collection method: clinical testing. Allele origin: germline.
Comment: The p.Q188K variant (also known as c.562C>A), located in coding exon 1 of the HOXB13 gene, results from a C to A substitution at nucleotide position 562. The glutamine at codon 188 is replaced by lysine, an amino acid with similar properties. This amino acid position is conserved. In addition, the in silico prediction for this alteration is inconclusive. Based on the available evidence, the clinical significance of this variant remains unclear.

Labcorp Genetics (formerly Invitae), Labcorp
Classification: Uncertain significance. Last evaluated: 2025-08-03. Review status: criteria provided, single submitter. Criteria: Invitae Variant Classification Sherloc (09022015). Collection method: clinical testing. Allele origin: germline.
Comment: This sequence change replaces glutamine, which is neutral and polar, with lysine, which is basic and polar, at codon 188 of the HOXB13 protein (p.Gln188Lys). This variant is not present in population databases (gnomAD no frequency). This variant has not been reported in the literature in individuals affected with HOXB13-related conditions. ClinVar contains an entry for this variant (Variation ID: 2610006). Invitae Evidence Modeling of protein sequence and biophysical properties (such as structural, functional, and spatial information, amino acid conservation, physicochemical variation, residue mobility, and thermodynamic stability) indicates that this missense variant is not expected to disrupt HOXB13 protein function with a negative predictive value of 80%. In summary, the available evidence is currently insufficient to determine the role of this variant in disease. Therefore, it has been classified as a Variant of Uncertain Significance.